The following is an entry in ClinVar:

NM_000368.5(TSC1):c.2391+3A>G

Gene: TSC1 (TSC complex subunit 1; minus strand). Cytogenetic location: 9q34.13.
Variant type: single nucleotide variant.
Coding change: c.2391+3A>G on transcript NM_000368.5 (MANE Select); 3 bases into the intron after coding-DNA position 2391, A replaced by G.
Molecular consequence: intron variant.
Genome position (GRCh38, 1-based): chr9:132,902,602, T>C on the plus strand (A>G on the coding strand, the complement: TSC1 is on the minus strand). VCF-style: chr9-132902602-T-C. GRCh37 (hg19) VCF-style: chr9-135777989-T-C.
Other names: c.2025+3A>G (NM_001406620.1, NM_001406625.1, NM_001406621.1 and 2 more transcripts); c.2028+3A>G (NM_001406618.1, NM_001406617.1, NM_001406619.1 and 5 more transcripts); c.2235+3A>G (NM_001406613.1, NM_001406612.1, NM_001406611.1); c.2238+3A>G (NM_001406610.1, NM_001162427.2); c.1437+3A>G (NM_001406627.1, NM_001406628.1); c.1338+3A>G (NM_001406629.1, NM_001406630.1); c.2373+3A>G (NM_001406603.1, NM_001406604.1); c.2388+3A>G (NM_001406609.1, NM_001406597.1, NM_001406600.1 and 4 more transcripts); and 3 more.
Identifiers: ClinVar variation 3329449 (VCV003329449.1).

ClinVar aggregate classification (germline): Uncertain significance (1 of 4 stars; one submission).

Conditions:
Hereditary cancer-predisposing syndrome. Also called: Neoplastic Syndromes, Hereditary; Tumor predisposition; Hereditary neoplastic syndrome; Hereditary Cancer Syndrome. Identifiers: Orphanet 140162, MedGen C0027672, MeSH D009386, MONDO:0015356.

Submission:

Ambry Genetics
Classification: Uncertain significance for Hereditary cancer-predisposing syndrome. Last evaluated: 2024-06-20. Review status: criteria provided, single submitter. Criteria: Ambry Variant Classification Scheme 2023. Collection method: clinical testing. Allele origin: germline.
Comment: The c.2391+3A>G intronic variant results from an A to G substitution 3 nucleotides after coding exon 16 in the TSC1 gene. This nucleotide position is well conserved in available vertebrate species. In silico splice site analysis predicts that this alteration may weaken the native splice donor site. RNA studies have demonstrated that this alteration results in a splice defect; the clinical impact of this abnormal splicing is unknown at this time (Ambry internal data). Based on the available evidence, the clinical significance of this variant remains unclear.